The following is an entry in ClinVar:

ClinVar aggregate classification (germline): Likely pathogenic (1 of 4 stars; one submission).

Conditions:
NIPBL-related disorder. Also called: NIPBL-related condition.

Submission:

PreventionGenetics, part of Exact Sciences
Classification: Likely pathogenic for NIPBL-related condition. Last evaluated: 2025-11-06. Review status: criteria provided, single submitter. Criteria: ACMG Guidelines, 2015. Collection method: clinical testing. Allele origin: germline.
Comment: The NIPBL c.2404_2408del5 variant is predicted to result in a frameshift and premature protein termination (p.Lys802Glufs*3). To our knowledge, this variant has not been reported in the literature or in a large population database (gnomAD), indicating this variant is rare. Frameshift variants in NIPBL are expected to be pathogenic. This variant is interpreted as likely pathogenic.

NM_133433.4(NIPBL):c.2404_2408del (p.Lys802fs)

Gene: NIPBL (NIPBL cohesin loading factor; plus strand). Cytogenetic location: 5p13.2.
Variant type: Deletion.
Coding change: c.2404_2408del on transcript NM_133433.4 (MANE Select); coding-DNA positions 2404 to 2408, 5 bases deleted (AAGCA; older notation c.2404_2408delAAGCA).
Protein change: p.Lys802fs; shifts the reading frame from lysine 802.
Molecular consequence: frameshift variant.
Genome position (GRCh38, 1-based): chr5:36,985,584-36,985,588, AAGCA deleted; deleting any 5 consecutive bases within chr5:36,985,583-36,985,588 gives the same sequence; the c. name uses the placement nearest the transcript's 3' end. VCF-style (leftmost placement, unchanged base first): chr5-36985582-TAAAGC-T. GRCh37 (hg19) VCF-style: chr5-36985684-TAAAGC-T.
Other names: c.2404_2408del, p.Lys802fs (NM_001438586.1, NM_015384.5); short protein forms K802fs.
Identifiers: ClinVar variation 4992570 (VCV004992570.1).